The following is an entry in ClinVar:

ClinVar aggregate classification (germline): Uncertain significance (1 of 4 stars; one submission).

Conditions:
Congenital myopathy with internal nuclei and atypical cores. Also called: Myopathy, centronuclear, 4. Identifiers: Orphanet 319160, MedGen C4707232, MONDO:0013890, OMIM 614807.

Allele frequency attached by ClinVar (database versions not stated): TOPMed below 0.00001; gnomAD 0.00001.

Submission:

Labcorp Genetics (formerly Invitae), Labcorp
Classification: Uncertain significance for Congenital myopathy with internal nuclei and atypical cores. Last evaluated: 2021-04-02. Review status: criteria provided, single submitter. Criteria: Invitae Variant Classification Sherloc (09022015). Collection method: clinical testing. Allele origin: germline.
Comment: In summary, the available evidence is currently insufficient to determine the role of this variant in disease. Therefore, it has been classified as a Variant of Uncertain Significance. This variant has not been reported in the literature in individuals with CCDC78-related conditions. This variant is not present in population databases (ExAC no frequency). This sequence change creates a premature translational stop signal (p.Gly12*) in the CCDC78 gene. It is expected to result in an absent or disrupted protein product. However, the current clinical and genetic evidence is not sufficient to establish whether loss-of-function variants in CCDC78 cause disease.

NM_001378030.1(CCDC78):c.34G>T (p.Gly12Ter)

Gene: CCDC78 (coiled-coil domain containing 78; minus strand). Cytogenetic location: 16p13.3.
Variant type: single nucleotide variant.
Coding change: c.34G>T on transcript NM_001378030.1 (MANE Select); coding-DNA position 34, G replaced by T.
Protein change: p.Gly12Ter; replaces glycine 12 with a stop codon.
Molecular consequence: nonsense. On other transcripts: non-coding transcript variant (3), intron variant (1).
Genome position (GRCh38, 1-based): chr16:726,334, C>A on the plus strand (G>T on the coding strand, the complement: CCDC78 is on the minus strand). VCF-style: chr16-726334-C-A. GRCh37 (hg19) VCF-style: chr16-776334-C-A.
Other names: c.34G>T, p.Gly12Ter (NM_001031737.3, NM_001378031.1); c.-225-249G>T (NM_001378033.1); short protein forms G12*.
Identifiers: ClinVar variation 1443146 (VCV001443146.6), dbSNP rs1014643433, ClinGen allele CA276521197.